The following is an entry in ClinVar:

NM_000343.4(SLC5A1):c.127G>A (p.Gly43Arg)

Gene: SLC5A1 (solute carrier family 5 member 1; plus strand). Cytogenetic location: 22q12.3.
Variant type: single nucleotide variant.
Coding change: c.127G>A on transcript NM_000343.4 (MANE Select); coding-DNA position 127, G replaced by A.
Protein change: p.Gly43Arg; replaces glycine 43 with arginine.
Molecular consequence: missense variant.
Genome position (GRCh38, 1-based): chr22:32,043,408, G>A. VCF-style: chr22-32043408-G-A. GRCh37 (hg19) VCF-style: chr22-32439395-G-A.
Other names: short protein forms G43R.
Identifiers: ClinVar variation 3341490 (VCV003341490.1).
Genomic context (GRCh38, chr22:32,043,408, plus strand): 5'-ATTCGCAATGCAGCCGATATCTCCATCATCGTTATCTACTTCGTGGTAGTGATGGCCGTC[G>A]GACTGTGGGTATGCAGCGGGTTCTGGGATGCGGGTGGGGAGGGTGCGCACAGAGGAGGAG-3'
Protein context (NP_000334.1, residues 33-53): VIYFVVVMAV[Gly43Arg]LWAMFSTNRG

ClinVar aggregate classification (germline): Uncertain significance (1 of 4 stars; one submission).

Conditions:
Congenital glucose-galactose malabsorption (GGM). Also called: MONOSACCHARIDE MALABSORPTION; DIARRHEA 16. Identifiers: Orphanet 35710, MedGen C0268186, MONDO:0011731, OMIM 606824.

Submission:

Neuberg Centre For Genomic Medicine, NCGM
Classification: Uncertain significance for Congenital glucose-galactose malabsorption. Last evaluated: 2023-05-20. Review status: criteria provided, single submitter. Criteria: ACMG Guidelines, 2015. Collection method: clinical testing. Allele origin: germline. Inheritance: Autosomal recessive inheritance. Affected: yes.
Comment: The observed missense c.127G>A(p.Gly43Arg) variant in SLC5A1 gene has been reported previously in homozygous state in individual(s) affected with Congenital glucose-galactose malabsorption (CGGM) (Akduman eta al., 2020). This variant is absent in gnomAD Exomes. The amino acid Gly at position 43 is changed to a Arg changing protein sequence and it might alter its composition and physico-chemical properties. The amino acid change p.Gly43Arg in SLC5A1 is predicted as conserved by GERP++ and PhyloP across 100 vertebrates. Multiple lines of computational evidence (Polyphen - Damaging, SIFT - Damaging and MutationTaster - Disease causing) predict a damaging effect on protein structure and function for this variant. For these reasons, this variant has been classified as Uncertain Significance.